The following is an entry in ClinVar:

ClinVar aggregate classification (germline): Uncertain significance (1 of 4 stars; one submission).

Conditions:
Bethlem myopathy 1A. Also called: Bethlem Muscular Dystrophy; MYOPATHY, BENIGN CONGENITAL, WITH CONTRACTURES; Bethlem myopathy 1. Identifiers: Orphanet 610, MedGen CN029274, MONDO:0024530, OMIM 158810.

gnomAD v4.1: 15 of 1,613,988 alleles (0.00093%); highest among the groups gnomAD compares: African/African-American, 0.0013%; no homozygotes.

Submission:

Labcorp Genetics (formerly Invitae), Labcorp
Classification: Uncertain significance for Bethlem myopathy 1A. Last evaluated: 2022-09-21. Review status: criteria provided, single submitter. Criteria: Invitae Variant Classification Sherloc (09022015). Collection method: clinical testing. Allele origin: germline.
Comment: In summary, the available evidence is currently insufficient to determine the role of this variant in disease. Therefore, it has been classified as a Variant of Uncertain Significance. Advanced modeling of protein sequence and biophysical properties (such as structural, functional, and spatial information, amino acid conservation, physicochemical variation, residue mobility, and thermodynamic stability) performed at Invitae indicates that this missense variant is not expected to disrupt COL6A3 protein function. ClinVar contains an entry for this variant (Variation ID: 1014576). This variant has not been reported in the literature in individuals affected with COL6A3-related conditions. This variant is not present in population databases (gnomAD no frequency). This sequence change replaces arginine, which is basic and polar, with proline, which is neutral and non-polar, at codon 2154 of the COL6A3 protein (p.Arg2154Pro).

NM_004369.4(COL6A3):c.6461G>C (p.Arg2154Pro)

Gene: COL6A3 (collagen type VI alpha 3 chain; minus strand). Cytogenetic location: 2q37.3.
Variant type: single nucleotide variant.
Coding change: c.6461G>C on transcript NM_004369.4 (MANE Select); coding-DNA position 6461, G replaced by C.
Protein change: p.Arg2154Pro; replaces arginine 2154 with proline.
Molecular consequence: missense variant.
Genome position (GRCh38, 1-based): chr2:237,358,531, C>G on the plus strand (G>C on the coding strand, the complement: COL6A3 is on the minus strand). VCF-style: chr2-237358531-C-G. GRCh37 (hg19) VCF-style: chr2-238267174-C-G.
Other names: c.4640G>C, p.Arg1547Pro (NM_057166.5); c.5843G>C, p.Arg1948Pro (NM_057167.4); short protein forms R1547P, R1948P, R2154P.
Identifiers: ClinVar variation 1014576 (VCV001014576.9), dbSNP rs145561490, ClinGen allele CA351215319.